The following is an entry in ClinVar:

ClinVar aggregate classification (germline): Conflicting classifications of pathogenicity. Review status: criteria provided, conflicting classifications (1 of 4 stars). 2 submissions from 2 submitters: Uncertain significance (1); Likely benign (1). Last evaluated 2025-05-19.

Conditions:
Inborn genetic diseases. Identifiers: MedGen C0950123, MeSH D030342.

Allele frequency attached by ClinVar (database versions not stated): gnomAD 0.00001; TOPMed 0.00001.
gnomAD v4.1: 9 of 1,612,012 alleles (0.00056%); highest among the groups gnomAD compares: African/African-American, 0.0013%; no homozygotes.

Submissions (2):

Labcorp Genetics (formerly Invitae), Labcorp
Classification: Likely benign. Last evaluated: 2025-05-19. Review status: criteria provided, single submitter. Criteria: Invitae Variant Classification Sherloc (09022015). Collection method: clinical testing. Allele origin: germline.

Ambry Genetics
Classification: Uncertain significance for Inborn genetic diseases. Last evaluated: 2017-07-21. Review status: criteria provided, single submitter. Criteria: Ambry Variant Classification Scheme 2023. Collection method: clinical testing. Allele origin: germline.
Comment: The c.7703-5T>C intronic variant results from a T to C substitution 5 nucleotides upstream from coding exon 56 in the SZT2 gene. This nucleotide position is well conserved in available vertebrate species. Using the BDGP and ESEfinder splice site prediction tools, this alteration is not predicted to have any significant effect on this splice acceptor site; however, direct evidence is unavailable. Since supporting evidence is limited at this time, the clinical significance of this alteration remains unclear.

NM_001365999.1(SZT2):c.7874-5T>C

Gene: SZT2 (SZT2 subunit of KICSTOR complex; plus strand). Cytogenetic location: 1p34.2.
Variant type: single nucleotide variant.
Coding change: c.7874-5T>C on transcript NM_001365999.1 (MANE Select); 5 bases into the intron before coding-DNA position 7874, T replaced by C.
Molecular consequence: intron variant.
Genome position (GRCh38, 1-based): chr1:43,442,263, T>C. VCF-style: chr1-43442263-T-C. GRCh37 (hg19) VCF-style: chr1-43907934-T-C.
Other names: c.7703-5T>C (NM_015284.4).
Identifiers: ClinVar variation 696119 (VCV000696119.10), dbSNP rs778766516, ClinGen allele CA810395.